The following is an entry in ClinVar:

ClinVar aggregate classification (germline): Uncertain significance (1 of 4 stars; one submission).

Allele frequency attached by ClinVar (database versions not stated): TOPMed 0.00001; gnomAD 0.00005; gnomAD exomes 0.00008; ExAC 0.00017.

Submission:

Labcorp Genetics (formerly Invitae), Labcorp
Classification: Uncertain significance. Last evaluated: 2022-11-16. Review status: criteria provided, single submitter. Criteria: Invitae Variant Classification Sherloc (09022015). Collection method: clinical testing. Allele origin: germline.
Comment: This sequence change replaces arginine, which is basic and polar, with glutamine, which is neutral and polar, at codon 330 of the KLHDC8B protein (p.Arg330Gln). This variant is present in population databases (rs763538727, gnomAD 0.09%), and has an allele count higher than expected for a pathogenic variant. This variant has not been reported in the literature in individuals affected with KLHDC8B-related conditions. Algorithms developed to predict the effect of missense changes on protein structure and function output the following: SIFT: "Tolerated"; PolyPhen-2: "Benign"; Align-GVGD: "Class C0". The glutamine amino acid residue is found in multiple mammalian species, which suggests that this missense change does not adversely affect protein function. In summary, the available evidence is currently insufficient to determine the role of this variant in disease. Therefore, it has been classified as a Variant of Uncertain Significance.

NM_173546.3(KLHDC8B):c.989G>A (p.Arg330Gln)

Gene: KLHDC8B (kelch domain containing 8B; plus strand). Cytogenetic location: 3p21.31.
Variant type: single nucleotide variant.
Coding change: c.989G>A on transcript NM_173546.3 (MANE Select); coding-DNA position 989, G replaced by A.
Protein change: p.Arg330Gln; replaces arginine 330 with glutamine.
Molecular consequence: missense variant.
Genome position (GRCh38, 1-based): chr3:49,175,725, G>A. VCF-style: chr3-49175725-G-A. GRCh37 (hg19) VCF-style: chr3-49213158-G-A.
Other names: short protein forms R330Q.
Identifiers: ClinVar variation 2907660 (VCV002907660.3), dbSNP rs763538727, ClinGen allele CA2395635.